The following is an entry in ClinVar:

ClinVar aggregate classification (germline): Uncertain significance (1 of 4 stars; one submission).

Conditions:
Fanconi anemia complementation group E (FANCE). Also called: FANCE-Related Fanconi Anemia. Identifiers: Orphanet 84, MedGen C3160739, MONDO:0010953, OMIM 600901.

Submission:

Labcorp Genetics (formerly Invitae), Labcorp
Classification: Uncertain significance for Fanconi anemia complementation group E. Last evaluated: 2022-10-07. Review status: criteria provided, single submitter. Criteria: Invitae Variant Classification Sherloc (09022015). Collection method: clinical testing. Allele origin: germline.
Comment: This variant, c.15_16delinsAC, is a complex sequence change that results in the deletion of 2 and insertion of 2 amino acid(s) in the FANCE protein (p.Asp5_Ala6delinsGluPro). Information on the frequency of this variant in the gnomAD database is not available, as this variant may be reported differently in the database. This variant has not been reported in the literature in individuals affected with FANCE-related conditions. Experimental studies and prediction algorithms are not available or were not evaluated, and the functional significance of this variant is currently unknown. In summary, the available evidence is currently insufficient to determine the role of this variant in disease. Therefore, it has been classified as a Variant of Uncertain Significance.

NM_021922.3(FANCE):c.15_16delinsAC (p.Asp5_Ala6delinsGluPro)

Genes: FANCE (FA complementation group E; plus strand), LOC129996245 (ATAC-STARR-seq lymphoblastoid silent region 17092; plus strand). Cytogenetic location: 6p21.31.
Variant type: Indel.
Coding change: c.15_16delinsAC on transcript NM_021922.3 (MANE Select); coding-DNA positions 15 to 16, CG replaced by AC.
Protein change: p.Asp5_Ala6delinsGluPro.
Molecular consequence: missense variant.
Genome position (GRCh38, 1-based): chr6:35,452,560-35,452,561, CG replaced by AC. VCF-style: chr6-35452560-CG-AC. GRCh37 (hg19) VCF-style: chr6-35420337-CG-AC.
Other names: c.15_16delinsAC, p.Asp5_Ala6delinsGluPro (NM_001410876.1).
Identifiers: ClinVar variation 2164401 (VCV002164401.4), dbSNP rs2533645584, ClinGen allele CA2580074419.